The following is an entry in ClinVar:

NM_007186.6(CEP250):c.6460C>T (p.Arg2154Trp)

Gene: CEP250 (centrosomal protein 250; plus strand). Cytogenetic location: 20q11.22.
Variant type: single nucleotide variant.
Coding change: c.6460C>T on transcript NM_007186.6 (MANE Select); coding-DNA position 6460, C replaced by T.
Protein change: p.Arg2154Trp; replaces arginine 2154 with tryptophan.
Molecular consequence: missense variant.
Genome position (GRCh38, 1-based): chr20:35,504,829, C>T. VCF-style: chr20-35504829-C-T. GRCh37 (hg19) VCF-style: chr20-34092657-C-T.
Other names: c.4564C>T, p.Arg1522Trp (NM_001318219.1); c.6460C>T (NM_007186.3); short protein forms R1522W, R2154W.
Identifiers: ClinVar variation 1411003 (VCV001411003.4), dbSNP rs375115331, ClinGen allele CA9834072.

ClinVar aggregate classification (germline): Uncertain significance. Review status: criteria provided, multiple submitters, no conflicts (2 of 4 stars). 2 submissions from 2 submitters: Uncertain significance (2). Last evaluated 2024-01-02.

Allele frequency attached by ClinVar (database versions not stated): ESP Exome Variant Server 0.00008.

Submissions (2):

Ambry Genetics
Classification: Uncertain significance. Last evaluated: 2024-01-02. Review status: criteria provided, single submitter. Criteria: Ambry Variant Classification Scheme 2023. Collection method: clinical testing. Allele origin: germline.

Labcorp Genetics (formerly Invitae), Labcorp
Classification: Uncertain significance. Last evaluated: 2022-07-01. Review status: criteria provided, single submitter. Criteria: Invitae Variant Classification Sherloc (09022015). Collection method: clinical testing. Allele origin: germline.
Comment: This sequence change replaces arginine, which is basic and polar, with tryptophan, which is neutral and slightly polar, at codon 2154 of the CEP250 protein (p.Arg2154Trp). This variant is present in population databases (rs375115331, gnomAD 0.03%). This variant has not been reported in the literature in individuals affected with CEP250-related conditions. ClinVar contains an entry for this variant (Variation ID: 1411003). Algorithms developed to predict the effect of missense changes on protein structure and function are either unavailable or do not agree on the potential impact of this missense change (SIFT: "Not Available"; PolyPhen-2: "Probably Damaging"; Align-GVGD: "Not Available"). In summary, the available evidence is currently insufficient to determine the role of this variant in disease. Therefore, it has been classified as a Variant of Uncertain Significance.